The following is an entry in ClinVar:

NM_001367561.1(DOCK7):c.72C>T (p.Ser24=)

Gene: DOCK7 (dedicator of cytokinesis 7; minus strand). Cytogenetic location: 1p31.3.
Variant type: single nucleotide variant.
Coding change: c.72C>T on transcript NM_001367561.1 (MANE Select); coding-DNA position 72, C replaced by T.
Protein change: p.Ser24=; no amino-acid change (serine 24 retained).
Molecular consequence: synonymous variant.
Genome position (GRCh38, 1-based): chr1:62,663,097, G>A on the plus strand (C>T on the coding strand, the complement: DOCK7 is on the minus strand). VCF-style: chr1-62663097-G-A. GRCh37 (hg19) VCF-style: chr1-63128768-G-A.
Other names: c.72C>T, p.Ser24= (NM_001271999.2, NM_001272000.2, NM_001272001.2 and 3 more transcripts).
Identifiers: ClinVar variation 754024 (VCV000754024.35), dbSNP rs369563931, ClinGen allele CA887289.

ClinVar aggregate classification (germline): Likely benign. Review status: criteria provided, multiple submitters, no conflicts (2 of 4 stars). 3 submissions from 3 submitters: Likely benign (3). Last evaluated 2025-12-02.

Conditions:
Developmental and epileptic encephalopathy, 23 (DEE23). Also called: Epileptic encephalopathy, early infantile, 23. Identifiers: Orphanet 411986, MedGen C4014492, MONDO:0014371, OMIM 615859.

Allele frequency attached by ClinVar (database versions not stated): gnomAD exomes 0.00002 and 0.00004; ExAC 0.00003; gnomAD 0.00003; TOPMed 0.00006; ESP Exome Variant Server 0.00008.
gnomAD v4.1: 40 of 1,612,550 alleles (0.0025%); highest among the groups gnomAD compares: African/African-American, 0.0027%; no homozygotes.

Submissions (3):

Labcorp Genetics (formerly Invitae), Labcorp
Classification: Likely benign for Developmental and epileptic encephalopathy, 23. Last evaluated: 2025-12-02. Review status: criteria provided, single submitter. Criteria: Invitae Variant Classification Sherloc (09022015). Collection method: clinical testing. Allele origin: germline.

Genome-Nilou Lab
Classification: Likely benign for Developmental and epileptic encephalopathy, 23. Last evaluated: 2023-04-11. Review status: criteria provided, single submitter. Criteria: ACMG Guidelines, 2015. Collection method: clinical testing. Allele origin: germline. Affected: no.

CeGaT Center for Human Genetics Tuebingen
Classification: Likely benign. Last evaluated: 2022-04-01. Review status: criteria provided, single submitter. Criteria: CeGaT Center For Human Genetics Tuebingen Variant Classification Criteria Version 2. Collection method: clinical testing. Allele origin: germline. Affected: yes. Observed: 1 variant allele.
Comment: DOCK7: BP4, BP7